The following is an entry in ClinVar:

NM_052867.4(NALCN):c.3691-17T>A

Gene: NALCN (sodium leak channel, non-selective; minus strand). Cytogenetic location: 13q32.3.
Variant type: single nucleotide variant.
Coding change: c.3691-17T>A on transcript NM_052867.4 (MANE Select); 17 bases into the intron before coding-DNA position 3691, T replaced by A.
Molecular consequence: intron variant.
Genome position (GRCh38, 1-based): chr13:101,082,900, A>T on the plus strand (T>A on the coding strand, the complement: NALCN is on the minus strand). VCF-style: chr13-101082900-A-T. GRCh37 (hg19) VCF-style: chr13-101735251-A-T.
Other names: c.3604-17T>A (NM_001350751.2, NM_001350750.2); c.3691-17T>A (NM_001350749.2); c.3778-17T>A (NM_001350748.2).
Identifiers: ClinVar variation 3606981 (VCV003606981.3).

ClinVar aggregate classification (germline): Conflicting classifications of pathogenicity. Review status: criteria provided, conflicting classifications (1 of 4 stars). 2 submissions from 2 submitters: Uncertain significance (1); Likely benign (1). Last evaluated 2024-12-03.

gnomAD v4.1: 19 of 1,613,846 alleles (0.0012%); highest among the groups gnomAD compares: Admixed American, 0.0017%; no homozygotes.

Submissions (2):

Labcorp Genetics (formerly Invitae), Labcorp
Classification: Uncertain significance. Last evaluated: 2024-12-03. Review status: criteria provided, single submitter. Criteria: Invitae Variant Classification Sherloc (09022015). Collection method: clinical testing. Allele origin: germline.
Comment: This sequence change falls in intron 32 of the NALCN gene. It does not directly change the encoded amino acid sequence of the NALCN protein. This variant is present in population databases (rs375249525, gnomAD 0.006%). This variant has not been reported in the literature in individuals affected with NALCN-related conditions. Algorithms developed to predict the effect of sequence changes on RNA splicing suggest that this variant may disrupt the consensus splice site. In summary, the available evidence is currently insufficient to determine the role of this variant in disease. Therefore, it has been classified as a Variant of Uncertain Significance.

Blueprint Genetics
Classification: Likely benign. Last evaluated: 2024-03-22. Review status: criteria provided, single submitter. Criteria: ACMG Guidelines, 2015. Collection method: clinical testing. Allele origin: germline.